The following is an entry in ClinVar:

NM_205836.3(FBXO38):c.3567A>G (p.Ter1189=)

Gene: FBXO38 (F-box protein 38; plus strand). Cytogenetic location: 5q32.
Variant type: single nucleotide variant.
Coding change: c.3567A>G on transcript NM_205836.3 (MANE Select); coding-DNA position 3567, A replaced by G.
Protein change: p.Ter1189=.
Molecular consequence: synonymous variant.
Genome position (GRCh38, 1-based): chr5:148,442,147, A>G. VCF-style: chr5-148442147-A-G. GRCh37 (hg19) VCF-style: chr5-147821710-A-G.
Other names: c.2832A>G, p.Ter944= (NM_001271723.2); c.3342A>G, p.Ter1114= (NM_030793.5).
Identifiers: ClinVar variation 3902455 (VCV003902455.1).

ClinVar aggregate classification (germline): Likely benign (1 of 4 stars; one submission).

gnomAD v4.1: 3 of 1,613,458 alleles (0.00019%); highest among the groups gnomAD compares: African/African-American, 0.0013%; no homozygotes.

Submission:

Women's Health and Genetics/Laboratory Corporation of America, LabCorp
Classification: Likely benign. Last evaluated: 2025-05-06. Review status: criteria provided, single submitter. Criteria: LabCorp Variant Classification Summary - May 2015. Collection method: clinical testing. Allele origin: germline.
Comment: Variant summary: FBXO38 c.3342A>G results in a synonymous change in the stop codon of the gene. It is not expected to affect termination of translation. Consensus agreement among computation tools predict no significant impact on normal splicing. However, these predictions have yet to be confirmed by functional studies. The variant was absent in 250424 control chromosomes. The available data on variant occurrences in the general population are insufficient to allow any conclusion about variant significance. To our knowledge, no occurrence of c.3342A>G in individuals affected with Neuronopathy, distal hereditary motor, type 2D and no experimental evidence demonstrating its impact on protein function have been reported. No submitters have cited clinical-significance assessments for this variant to ClinVar. Based on the evidence outlined above, the variant was classified as likely benign.